The following is an entry in ClinVar:

ClinVar aggregate classification (germline): Conflicting classifications of pathogenicity. Review status: criteria provided, conflicting classifications (1 of 4 stars). 2 submissions from 2 submitters: Uncertain significance (1); Likely benign (1). Last evaluated 2026-02-04.

Conditions:
POLD1-related polyposis and colorectal cancer syndrome (CRCS10). Also called: Colorectal cancer 10; Colorectal cancer, susceptibility to, 10; COLORECTAL CANCER, SUSCEPTIBILITY TO, ON CHROMOSOME 19q. Identifiers: Orphanet 220460, MedGen C2675481, MONDO:0012953, OMIM 612591.
Hereditary cancer-predisposing syndrome. Also called: Tumor predisposition; Hereditary Cancer Syndrome; Hereditary neoplastic syndrome; Neoplastic Syndromes, Hereditary. Identifiers: Orphanet 140162, MedGen C0027672, MeSH D009386, MONDO:0015356.

Submissions (2):

Ambry Genetics
Classification: Likely benign for Hereditary cancer-predisposing syndrome. Last evaluated: 2026-02-04. Review status: criteria provided, single submitter. Criteria: Ambry Variant Classification Scheme 2023. Collection method: clinical testing. Allele origin: germline.

Labcorp Genetics (formerly Invitae), Labcorp
Classification: Uncertain significance for POLD1-related polyposis and colorectal cancer syndrome. Last evaluated: 2024-10-15. Review status: criteria provided, single submitter. Criteria: Invitae Variant Classification Sherloc (09022015). Collection method: clinical testing. Allele origin: germline.
Comment: This sequence change replaces proline, which is neutral and non-polar, with serine, which is neutral and polar, at codon 15 of the POLD1 protein (p.Pro15Ser). This variant is not present in population databases (gnomAD no frequency). This variant has not been reported in the literature in individuals affected with POLD1-related conditions. Experimental studies and prediction algorithms are not available or were not evaluated, and the functional significance of this variant is currently unknown. In summary, the available evidence is currently insufficient to determine the role of this variant in disease. Therefore, it has been classified as a Variant of Uncertain Significance.

NM_002691.4(POLD1):c.43C>T (p.Pro15Ser)

Gene: POLD1 (DNA polymerase delta 1, catalytic subunit; plus strand). Cytogenetic location: 19q13.33.
Variant type: single nucleotide variant.
Coding change: c.43C>T on transcript NM_002691.4 (MANE Select); coding-DNA position 43, C replaced by T.
Protein change: p.Pro15Ser; replaces proline 15 with serine.
Molecular consequence: missense variant. On other transcripts: non-coding transcript variant (1).
Genome position (GRCh38, 1-based): chr19:50,398,894, C>T. VCF-style: chr19-50398894-C-T. GRCh37 (hg19) VCF-style: chr19-50902151-C-T.
Other names: c.43C>T, p.Pro15Ser (NM_001256849.1, NM_001308632.1); c.43C>T (NM_002691.2); short protein forms P15S.
Identifiers: ClinVar variation 2731060 (VCV002731060.4), dbSNP rs2513932269, ClinGen allele CA406970030.
Genomic context (GRCh38, chr19:50,398,894, plus strand): 5'-TCCAACTTGCCCAGCAGGATGGATGGCAAGCGGCGGCCAGGCCCAGGGCCCGGGGTGCCC[C>T]CAAAGCGGGCCCGTGGGGGCCTCTGGGATGATGATGATGCACCTCGGCCATCCCAATTCG-3'
Protein context (NP_002682.2, residues 5-25): RRPGPGPGVP[Pro15Ser]KRARGGLWDD